The following is an entry in ClinVar:

NM_020937.4(FANCM):c.367G>A (p.Val123Met)

Gene: FANCM (FA complementation group M; plus strand). Cytogenetic location: 14q21.2.
Variant type: single nucleotide variant.
Coding change: c.367G>A on transcript NM_020937.4 (MANE Select); coding-DNA position 367, G replaced by A.
Protein change: p.Val123Met; replaces valine 123 with methionine.
Molecular consequence: missense variant.
Genome position (GRCh38, 1-based): chr14:45,136,398, G>A. VCF-style: chr14-45136398-G-A. GRCh37 (hg19) VCF-style: chr14-45605601-G-A.
Other names: c.367G>A, p.Val123Met (NM_001308133.2, NM_001308134.2); short protein forms V123M.
Identifiers: ClinVar variation 3848735 (VCV003848735.1).

ClinVar aggregate classification (germline): Uncertain significance (1 of 4 stars; one submission).

Conditions:
Inborn genetic diseases. Identifiers: MedGen C0950123, MeSH D030342.

Submission:

Ambry Genetics
Classification: Uncertain significance for Inborn genetic diseases. Last evaluated: 2025-02-16. Review status: criteria provided, single submitter. Criteria: Ambry Variant Classification Scheme 2023. Collection method: clinical testing. Allele origin: germline.
Comment: The p.V123M variant (also known as c.367G>A), located in coding exon 1 of the FANCM gene, results from a G to A substitution at nucleotide position 367. The valine at codon 123 is replaced by methionine, an amino acid with highly similar properties. This amino acid position is conserved. In addition, this alteration is predicted to be tolerated by in silico analysis. Based on the available evidence, the clinical significance of this variant remains unclear.